The following is an entry in ClinVar:

NM_020312.4(COQ9):c.811C>T (p.Arg271Cys)

Gene: COQ9 (coenzyme Q9; plus strand). Cytogenetic location: 16q21.
Variant type: single nucleotide variant.
Coding change: c.811C>T on transcript NM_020312.4 (MANE Select); coding-DNA position 811, C replaced by T.
Protein change: p.Arg271Cys; replaces arginine 271 with cysteine.
Molecular consequence: missense variant.
Genome position (GRCh38, 1-based): chr16:57,459,664, C>T. VCF-style: chr16-57459664-C-T. GRCh37 (hg19) VCF-style: chr16-57493576-C-T.
Other names: short protein forms R271C.
Identifiers: ClinVar variation 3903062 (VCV003903062.1).
Genomic context (GRCh38, chr16:57,459,664, plus strand): 5'-TACAACACAACAGAGCTGGTGATGATGCAGGACTCCTCTCCAGACTTTGAGGACACTTGG[C>T]GCTTCCTGGAAAACCGGGTTAATGATGCAATGAACATGGGCCACACTGCCAAGCAGGTAG-3'
Protein context (NP_064708.1, residues 261-281): DSSPDFEDTW[Arg271Cys]FLENRVNDAM

ClinVar aggregate classification (germline): Uncertain significance (1 of 4 stars; one submission).

gnomAD v4.1: 9 of 1,614,174 alleles (0.00056%); highest among the groups gnomAD compares: Middle Eastern, 0.016%; no homozygotes.

Submission:

GeneDx
Classification: Uncertain significance. Last evaluated: 2024-12-16. Review status: criteria provided, single submitter. Criteria: GeneDx Variant Classification Process June 2021. Collection method: clinical testing. Allele origin: germline. Affected: yes.
Comment: Has not been previously published as pathogenic or benign to our knowledge; Not observed at significant frequency in large population cohorts (gnomAD); In silico analysis supports that this missense variant has a deleterious effect on protein structure/function